The following is an entry in ClinVar:

NM_001127649.3(PEX26):c.190_191del (p.Leu65fs)

Gene: PEX26 (peroxisomal biogenesis factor 26; plus strand). Cytogenetic location: 22q11.21.
Variant type: Microsatellite.
Coding change: c.190_191del on transcript NM_001127649.3 (MANE Select); coding-DNA positions 190 to 191, 2 bases deleted (AG; older notation c.190_191delAG).
Protein change: p.Leu65fs; shifts the reading frame from leucine 65.
Molecular consequence: frameshift variant.
Genome position (GRCh38, 1-based): chr22:18,078,566-18,078,567, AG deleted; deleting any 2 consecutive bases within chr22:18,078,564-18,078,567 gives the same sequence; the c. name uses the placement nearest the transcript's 3' end. VCF-style (leftmost placement, unchanged base first): chr22-18078563-CAG-C. GRCh37 (hg19) VCF-style: chr22-18561329-CAG-C.
Other names: c.190_191delAG (NM_017929.5); c.190_191del, p.Leu65fs (NM_001199319.2, NM_017929.6); short protein forms L65fs.
Identifiers: ClinVar variation 2928098 (VCV002928098.5), dbSNP rs2517663841, ClinGen allele CA2655184179.

ClinVar aggregate classification (germline): Pathogenic. Review status: criteria provided, multiple submitters, no conflicts (2 of 4 stars). 3 submissions from 3 submitters: Pathogenic (2). 1 of the submissions does not count toward it. Last evaluated 2024-09-22.

Conditions:
PEX26-related disorder. Also called: PEX26-related condition.
Peroxisome biogenesis disorder 7A (Zellweger). Also called: Peroxisome biogenesis disorder 7A. Identifiers: Orphanet 912, MedGen C3888385, MONDO:0013938, OMIM 614872.
Peroxisome biogenesis disorder 7B (PBD7B). Identifiers: Orphanet 44, MedGen C3553951, MONDO:0013939, OMIM 614873.

Submissions (3):

Genomic Medicine Center of Excellence, King Faisal Specialist Hospital and Research Centre
Classification: Pathogenic for Peroxisome biogenesis disorder 7A (Zellweger). Last evaluated: 2024-09-22. Review status: criteria provided, single submitter. Criteria: ACMG Guidelines, 2015. Collection method: clinical testing. Allele origin: germline.

Labcorp Genetics (formerly Invitae), Labcorp
Classification: Pathogenic for Peroxisome biogenesis disorder 7A (Zellweger); Peroxisome biogenesis disorder 7B. Last evaluated: 2023-10-16. Review status: criteria provided, single submitter. Criteria: Invitae Variant Classification Sherloc (09022015). Collection method: clinical testing. Allele origin: germline.
Comment: This sequence change creates a premature translational stop signal (p.Leu65Glyfs*49) in the PEX26 gene. It is expected to result in an absent or disrupted protein product. Loss-of-function variants in PEX26 are known to be pathogenic (PMID: 12851857, 21031596). This variant is not present in population databases (gnomAD no frequency). This premature translational stop signal has been observed in individual(s) with Zellweger spectrum disorder (PMID: 30561787). For these reasons, this variant has been classified as Pathogenic.

PreventionGenetics, part of Exact Sciences
Classification: Pathogenic for PEX26-related condition. Last evaluated: 2024-09-16. Review status: no assertion criteria provided. Collection method: clinical testing. Allele origin: germline. Not counted in ClinVar's aggregate classification.
Comment: The PEX26 c.190_191delAG variant is predicted to result in a frameshift and premature protein termination (p.Leu65Glyfs*49). This variant has been reported in the homozygous state in an individual with Zellweger spectrum disorder (Table S1, Alshenaifi et al. 2019. PubMed ID: 30561787). This variant has not been reported in a large population database, indicating this variant is rare. Frameshift variants in PEX26 are expected to be pathogenic. This variant is interpreted as pathogenic.

Literature cited by the submitters: PubMed 12851857 (cited by Labcorp Genetics (formerly Invitae), Labcorp); PubMed 21031596 (cited by Labcorp Genetics (formerly Invitae), Labcorp); PubMed 30561787 (cited by Labcorp Genetics (formerly Invitae), Labcorp).